The following is an entry in ClinVar:

NM_002469.3(MYF6):c.649C>T (p.Arg217Ter)

Gene: MYF6 (myogenic factor 6; plus strand). Cytogenetic location: 12q21.31.
Variant type: single nucleotide variant.
Coding change: c.649C>T on transcript NM_002469.3 (MANE Select); coding-DNA position 649, C replaced by T.
Protein change: p.Arg217Ter; replaces arginine 217 with a stop codon.
Molecular consequence: nonsense.
Genome position (GRCh38, 1-based): chr12:80,708,880, C>T. VCF-style: chr12-80708880-C-T. GRCh37 (hg19) VCF-style: chr12-81102659-C-T.
Other names: short protein forms R217*.
Identifiers: ClinVar variation 1514876 (VCV001514876.6), dbSNP rs779208935, ClinGen allele CA6703171.

ClinVar aggregate classification (germline): Uncertain significance (1 of 4 stars; one submission).

Conditions:
Autosomal dominant centronuclear myopathy. Also called: MYOTUBULAR MYOPATHY, AUTOSOMAL DOMINANT; Myopathy, centronuclear, 3. Identifiers: Orphanet 169189, MedGen C4551952, MeSH D020914, MONDO:0008048, OMIM 160150.

Allele frequency attached by ClinVar (database versions not stated): gnomAD 0.00001; gnomAD exomes 0.00001 and 0.00004; TOPMed 0.00003; ExAC 0.00005.

Submission:

Labcorp Genetics (formerly Invitae), Labcorp
Classification: Uncertain significance for Autosomal dominant centronuclear myopathy. Last evaluated: 2022-06-27. Review status: criteria provided, single submitter. Criteria: Invitae Variant Classification Sherloc (09022015). Collection method: clinical testing. Allele origin: germline.
Comment: This sequence change creates a premature translational stop signal (p.Arg217*) in the MYF6 gene. While this is not anticipated to result in nonsense mediated decay, it is expected to disrupt the last 26 amino acid(s) of the MYF6 protein. This variant is present in population databases (rs779208935, gnomAD 0.03%). This variant has not been reported in the literature in individuals affected with MYF6-related conditions. Experimental studies and prediction algorithms are not available or were not evaluated, and the functional significance of this variant is currently unknown. In summary, the available evidence is currently insufficient to determine the role of this variant in disease. Therefore, it has been classified as a Variant of Uncertain Significance.